The following is an entry in ClinVar:

ClinVar aggregate classification (germline): Uncertain significance (1 of 4 stars; one submission).

Submission:

Ambry Genetics
Classification: Uncertain significance. Last evaluated: 2025-05-19. Review status: criteria provided, single submitter. Criteria: Ambry Variant Classification Scheme 2023. Collection method: clinical testing. Allele origin: germline.
Comment: The p.E591V variant (also known as c.1772A>T), located in coding exon 7 of the WNK2 gene, results from an A to T substitution at nucleotide position 1772. The glutamic acid at codon 591 is replaced by valine, an amino acid with dissimilar properties. This amino acid position is conserved. In addition, the in silico prediction for this alteration is inconclusive. Based on the available evidence, the clinical significance of this variant remains unclear.

NM_006648.4(WNK2):c.1772A>T (p.Glu591Val)

Gene: WNK2 (WNK lysine deficient protein kinase 2; plus strand). Cytogenetic location: 9q22.31.
Variant type: single nucleotide variant.
Coding change: c.1772A>T on transcript NM_006648.4 (MANE Select); coding-DNA position 1772, A replaced by T.
Protein change: p.Glu591Val; replaces glutamic acid 591 with valine.
Molecular consequence: missense variant.
Genome position (GRCh38, 1-based): chr9:93,247,772, A>T. VCF-style: chr9-93247772-A-T. GRCh37 (hg19) VCF-style: chr9-96010054-A-T.
Other names: c.1772A>T, p.Glu591Val (NM_001282394.3); short protein forms E591V.
Identifiers: ClinVar variation 3982083 (VCV003982083.1).